The following is an entry in ClinVar:

NM_000310.4(PPT1):c.474C>A (p.His158Gln)

Gene: PPT1 (palmitoyl-protein thioesterase 1; minus strand). Cytogenetic location: 1p34.2.
Variant type: single nucleotide variant.
Coding change: c.474C>A on transcript NM_000310.4 (MANE Select); coding-DNA position 474, C replaced by A.
Protein change: p.His158Gln; replaces histidine 158 with glutamine.
Molecular consequence: missense variant.
Genome position (GRCh38, 1-based): chr1:40,089,472, G>T on the plus strand (C>A on the coding strand, the complement: PPT1 is on the minus strand). VCF-style: chr1-40089472-G-T. GRCh37 (hg19) VCF-style: chr1-40555144-G-T.
Other names: c.165C>A, p.His55Gln (NM_001142604.2); c.474C>A, p.His158Gln (NM_001363695.2); short protein forms H158Q, H55Q.
Identifiers: ClinVar variation 1742820 (VCV001742820.4), dbSNP rs549251715, ClinGen allele CA789678.

ClinVar aggregate classification (germline): Uncertain significance. Review status: criteria provided, multiple submitters, no conflicts (2 of 4 stars). 2 submissions from 2 submitters: Uncertain significance (2). Last evaluated 2021-09-24.

Conditions:
Inborn genetic diseases. Identifiers: MedGen C0950123, MeSH D030342.
Neuronal ceroid lipofuscinosis 1 (CLN1). Also called: CEROID LIPOFUSCINOSIS, NEURONAL, 1, VARIABLE AGE AT ONSET; PPT1-Related Neuronal Ceroid-Lipofuscinosis. Identifiers: Orphanet 228329, MedGen C1850451, MONDO:0009744, OMIM 256730.

gnomAD v4.1: 12 of 1,613,936 alleles (0.00074%); highest among the groups gnomAD compares: East Asian, 0.027%; no homozygotes.

Submissions (2):

Labcorp Genetics (formerly Invitae), Labcorp
Classification: Uncertain significance for Neuronal ceroid lipofuscinosis 1. Last evaluated: 2021-09-24. Review status: criteria provided, single submitter. Criteria: Invitae Variant Classification Sherloc (09022015). Collection method: clinical testing. Allele origin: germline.
Comment: This sequence change replaces histidine with glutamine at codon 158 of the PPT1 protein (p.His158Gln). The histidine residue is moderately conserved and there is a small physicochemical difference between histidine and glutamine. This variant is present in population databases (rs549251715, ExAC 0.02%). This variant has not been reported in the literature in individuals with PPT1-related conditions. Algorithms developed to predict the effect of missense changes on protein structure and function (SIFT, PolyPhen-2, Align-GVGD) all suggest that this variant is likely to be tolerated, but these predictions have not been confirmed by published functional studies and their clinical significance is uncertain. In summary, the available evidence is currently insufficient to determine the role of this variant in disease. Therefore, it has been classified as a Variant of Uncertain Significance.

Ambry Genetics
Classification: Uncertain significance for Inborn genetic diseases. Last evaluated: 2019-09-24. Review status: criteria provided, single submitter. Criteria: Ambry Variant Classification Scheme 2023. Collection method: clinical testing. Allele origin: germline.
Comment: The p.H158Q variant (also known as c.474C>A), located in coding exon 5 of the PPT1 gene, results from a C to A substitution at nucleotide position 474. The histidine at codon 158 is replaced by glutamine, an amino acid with highly similar properties. This amino acid position is well conserved in available vertebrate species. In addition, the in silico prediction for this alteration is inconclusive. Since supporting evidence is limited at this time, the clinical significance of this alteration remains unclear.